The following is an entry in ClinVar:

ClinVar aggregate classification (germline): Pathogenic/Likely pathogenic. Review status: criteria provided, multiple submitters, no conflicts (2 of 4 stars). 4 submissions from 4 submitters: Pathogenic (2); Likely pathogenic (2). Last evaluated 2026-06-01.

Conditions:
UV-sensitive syndrome 1 (UVSS1). Identifiers: Orphanet 178338, MedGen C3551173, MONDO:0010909, OMIM 600630.
Premature ovarian failure 11 (POF11). Identifiers: MedGen C4310783, MONDO:0014843, OMIM 616946.
Cerebrooculofacioskeletal syndrome 1 (COFS1). Also called: Cerebro-oculo-facio-skeletal syndrome 1. Identifiers: MedGen C0220722, MONDO:0008955, OMIM 214150.
Lung cancer. Also called: Lung cancer, somatic; Malignant tumor of lung. Identifiers: MedGen C0242379, MONDO:0008903, OMIM 211980.
Age related macular degeneration 5. Identifiers: MedGen C3151063, MONDO:0013409, OMIM 613761.
DE SANCTIS-CACCHIONE SYNDROME. Identifiers: MedGen C0265201, MONDO:0010217, OMIM 278800.
Cockayne syndrome type 2 (CSB). Also called: Cockayne Syndrome, Type II; COCKAYNE SYNDROME B. Identifiers: Orphanet 191, Orphanet 90322, MedGen C0751038, MONDO:0019570, OMIM 133540.
ERCC6-related disorder. Also called: ERCC6-related disorders; ERCC6-related condition. Identifiers: MedGen CN239385.
Inborn genetic diseases. Identifiers: MedGen C0950123, MeSH D030342.

Allele frequency attached by ClinVar (database versions not stated): gnomAD 0.00001; gnomAD exomes 0.00001; TOPMed 0.00002.
gnomAD v4.1: 6 of 1,613,616 alleles (0.00037%); highest among the groups gnomAD compares: Admixed American, 0.0067%; no homozygotes.

Submissions (4):

PreventionGenetics, part of Exact Sciences
Classification: Likely pathogenic for ERCC6-related condition. Last evaluated: 2026-06-01. Review status: criteria provided, single submitter. Criteria: ACMG Guidelines, 2015. Collection method: clinical testing. Allele origin: germline.
Comment: The ERCC6 c.763A>T variant is predicted to result in premature protein termination (p.Lys255*). To our knowledge, this variant has not been reported in the literature. This variant is reported in 0.0058% of alleles in individuals of Latino descent in gnomAD. Nonsense variants in ERCC6 are expected to be pathogenic. This variant is interpreted as likely pathogenic.

Fulgent Genetics
Classification: Likely pathogenic for Cockayne syndrome type 2; Lung cancer; Cerebrooculofacioskeletal syndrome 1; DE SANCTIS-CACCHIONE SYNDROME; UV-sensitive syndrome 1; Age related macular degeneration 5; Premature ovarian failure 11. Last evaluated: 2024-02-17. Review status: criteria provided, single submitter. Criteria: ACMG Guidelines, 2015. Collection method: clinical testing. Allele origin: germline.

Labcorp Genetics (formerly Invitae), Labcorp
Classification: Pathogenic. Last evaluated: 2024-01-08. Review status: criteria provided, single submitter. Criteria: Invitae Variant Classification Sherloc (09022015). Collection method: clinical testing. Allele origin: germline.
Comment: This sequence change creates a premature translational stop signal (p.Lys255*) in the ERCC6 gene. It is expected to result in an absent or disrupted protein product. Loss-of-function variants in ERCC6 are known to be pathogenic (PMID: 18628313, 29572252). This variant is present in population databases (no rsID available, gnomAD 0.006%). This variant has not been reported in the literature in individuals affected with ERCC6-related conditions. ClinVar contains an entry for this variant (Variation ID: 835111). For these reasons, this variant has been classified as Pathogenic.

Ambry Genetics
Classification: Pathogenic for Inborn genetic diseases. Last evaluated: 2021-12-03. Review status: criteria provided, single submitter. Criteria: Ambry Variant Classification Scheme 2023. Collection method: clinical testing. Allele origin: germline.
Comment: The c.763A>T (p.K255*) alteration, located in exon 5 (coding exon 4) of the ERCC6 gene, consists of an A to T substitution at nucleotide position 763. This changes the amino acid from a lysine (K) to a stop codon at amino acid position 255. This alteration is expected to result in loss of function by premature protein truncation or nonsense-mediated mRNA decay. Based on the available evidence, this alteration is classified as pathogenic.

Literature cited by the submitters: PubMed 18628313 (cited by Labcorp Genetics (formerly Invitae), Labcorp); PubMed 29572252 (cited by Labcorp Genetics (formerly Invitae), Labcorp).

NM_000124.4(ERCC6):c.763A>T (p.Lys255Ter)

Gene: ERCC6 (ERCC excision repair 6, chromatin remodeling factor; minus strand). Cytogenetic location: 10q11.23.
Variant type: single nucleotide variant.
Coding change: c.763A>T on transcript NM_000124.4 (MANE Select); coding-DNA position 763, A replaced by T.
Protein change: p.Lys255Ter; replaces lysine 255 with a stop codon.
Molecular consequence: nonsense.
Genome position (GRCh38, 1-based): chr10:49,524,667, T>A on the plus strand (A>T on the coding strand, the complement: ERCC6 is on the minus strand). VCF-style: chr10-49524667-T-A. GRCh37 (hg19) VCF-style: chr10-50732713-T-A.
Other names: c.763A>T (NM_000124.2); c.763A>T, p.Lys255Ter (NM_001277058.2, NM_001277059.2, NM_001346440.2); short protein forms K255*.
Identifiers: ClinVar variation 835111 (VCV000835111.10), dbSNP rs999171980, ClinGen allele CA206620468.